The following is an entry in ClinVar:

ClinVar aggregate classification (germline): Uncertain significance (1 of 4 stars; one submission).

Allele frequency attached by ClinVar (database versions not stated): gnomAD exomes 0.00001; ExAC 0.00002.
gnomAD v4.1: 10 of 1,542,338 alleles (0.00065%); highest among the groups gnomAD compares: South Asian, 0.012%; no homozygotes.

Submission:

Labcorp Genetics (formerly Invitae), Labcorp
Classification: Uncertain significance. Last evaluated: 2022-06-05. Review status: criteria provided, single submitter. Criteria: Invitae Variant Classification Sherloc (09022015). Collection method: clinical testing. Allele origin: germline.
Comment: This sequence change falls in intron 13 of the PNPT1 gene. It does not directly change the encoded amino acid sequence of the PNPT1 protein. It affects a nucleotide within the consensus splice site. This variant is present in population databases (rs775617819, gnomAD 0.02%). This variant has not been reported in the literature in individuals affected with PNPT1-related conditions. Variants that disrupt the consensus splice site are a relatively common cause of aberrant splicing (PMID: 17576681, 9536098). Algorithms developed to predict the effect of sequence changes on RNA splicing suggest that this variant may disrupt the consensus splice site. In summary, the available evidence is currently insufficient to determine the role of this variant in disease. Therefore, it has been classified as a Variant of Uncertain Significance.

Literature cited by the submitters: PubMed 17576681; PubMed 9536098.

NM_033109.5(PNPT1):c.1176+4A>G

Gene: PNPT1 (polyribonucleotide nucleotidyltransferase 1; minus strand). Cytogenetic location: 2p16.1.
Variant type: single nucleotide variant.
Coding change: c.1176+4A>G on transcript NM_033109.5 (MANE Select); 4 bases into the intron after coding-DNA position 1176, A replaced by G.
Molecular consequence: intron variant.
Genome position (GRCh38, 1-based): chr2:55,666,987, T>C on the plus strand (A>G on the coding strand, the complement: PNPT1 is on the minus strand). VCF-style: chr2-55666987-T-C. GRCh37 (hg19) VCF-style: chr2-55894122-T-C.
Identifiers: ClinVar variation 2108382 (VCV002108382.4), dbSNP rs775617819, ClinGen allele CA1668211.